The following is an entry in ClinVar:

NM_000350.3(ABCA4):c.317A>T (p.Tyr106Phe)

Gene: ABCA4 (ATP binding cassette subfamily A member 4; minus strand). Cytogenetic location: 1p22.1.
Variant type: single nucleotide variant.
Coding change: c.317A>T on transcript NM_000350.3 (MANE Select); coding-DNA position 317, A replaced by T.
Protein change: p.Tyr106Phe; replaces tyrosine 106 with phenylalanine.
Molecular consequence: missense variant.
Genome position (GRCh38, 1-based): chr1:94,108,702, T>A on the plus strand (A>T on the coding strand, the complement: ABCA4 is on the minus strand). VCF-style: chr1-94108702-T-A. GRCh37 (hg19) VCF-style: chr1-94574258-T-A.
Other names: c.317A>T, p.Tyr106Phe (NM_001425324.1); short protein forms Y106F.
Identifiers: ClinVar variation 236075 (VCV000236075.44), dbSNP rs201150919, ClinGen allele CA958865.

ClinVar aggregate classification (germline): Conflicting classifications of pathogenicity. Review status: criteria provided, conflicting classifications (1 of 4 stars). 8 submissions from 8 submitters: Uncertain significance (3); Benign (1); Likely benign (4). Last evaluated 2026-01-05.

Conditions:
ABCA4-related disorder. Also called: ABCA4-related disorders; ABCA4-related condition. Identifiers: MedGen CN239167.
Retinal dystrophy. Also called: Inherited retinal dystrophy. Identifiers: Orphanet 71862, MedGen C0854723, MeSH D058499, MONDO:0019118, HP:0000556.

Allele frequency attached by ClinVar (database versions not stated): TOPMed 0.00016; gnomAD exomes 0.00058 and 0.00112; gnomAD 0.00100 and 0.00103; ExAC 0.00108.
gnomAD v4.1: 991 of 1,614,004 alleles (0.061%); highest among the groups gnomAD compares: East Asian, 0.17%; 2 homozygotes.

Submissions (8):

Labcorp Genetics (formerly Invitae), Labcorp
Classification: Benign. Last evaluated: 2026-01-05. Review status: criteria provided, single submitter. Criteria: Invitae Variant Classification Sherloc (09022015). Collection method: clinical testing. Allele origin: germline.

Blueprint Genetics
Classification: Likely benign. Last evaluated: 2024-11-13. Review status: criteria provided, single submitter. Criteria: ACMG Guidelines, 2015. Collection method: clinical testing. Allele origin: germline.

PreventionGenetics, part of Exact Sciences
Classification: Likely benign for ABCA4-related condition. Last evaluated: 2024-10-15. Review status: criteria provided, single submitter. Criteria: ACMG Guidelines, 2015. Collection method: clinical testing. Allele origin: germline.
Comment: This variant is classified as likely benign based on ACMG/AMP sequence variant interpretation guidelines (Richards et al. 2015 PMID: 25741868, with internal and published modifications).

Dept Of Ophthalmology, Nagoya University
Classification: Uncertain significance for Retinal dystrophy. Last evaluated: 2023-10-01. Review status: criteria provided, single submitter. Criteria: Submitter's publication. Collection method: research. Allele origin: germline. Affected: yes.

CeGaT Center for Human Genetics Tuebingen
Classification: Likely benign. Last evaluated: 2023-02-01. Review status: criteria provided, single submitter. Criteria: CeGaT Center For Human Genetics Tuebingen Variant Classification Criteria Version 2. Collection method: clinical testing. Allele origin: germline. Affected: yes. Observed: 1 variant allele.
Comment: ABCA4: BP4, BS2

Institute of Human Genetics, Univ. Regensburg, Univ. Regensburg
Classification: Likely benign for Retinal dystrophy. Last evaluated: 2022-01-01. Review status: criteria provided, single submitter. Criteria: ACMG Guidelines, 2015. Collection method: clinical testing. Allele origin: germline. Affected: yes.

GeneDx
Classification: Uncertain significance. Last evaluated: 2021-12-01. Review status: criteria provided, single submitter. Criteria: GeneDx Variant Classification Process June 2021. Collection method: clinical testing. Allele origin: germline. Affected: yes.
Comment: In silico analysis, which includes protein predictors and evolutionary conservation, supports that this variant does not alter protein structure/function; Observed with additional variants in the ABCA4 gene in individuals with Stargardt disease or retinitis pigmentosa in published literature, but it is not known whether the variants occurred on the same (in cis) or on different (in trans) chromosomes in all cases (Schulz et al., 2017; Schroeder et al., 2018; Huang et al., 2018); This variant is associated with the following publications: (PMID: 28118664, 29386879, 29641573)

Illumina Laboratory Services, Illumina
Classification: Uncertain significance for ABCA4-Related Disorders. Last evaluated: 2018-01-13. Review status: criteria provided, single submitter. Criteria: ICSL Variant Classification Criteria 13 December 2019. Collection method: clinical testing. Allele origin: germline.

Literature cited by the submitters: PubMed 28118664 (cited by Institute of Human Genetics, Univ. Regensburg, Univ. Regensburg); PubMed 2964157 (cited by Institute of Human Genetics, Univ. Regensburg, Univ. Regensburg).